The following is an entry in ClinVar:

ClinVar aggregate classification (germline): Pathogenic (1 of 4 stars; one submission).

Conditions:
Glycogen storage disease, type I. Identifiers: Orphanet 364, MedGen C0017920, MONDO:0002413.

Submission:

Myriad Genetics, Inc.
Classification: Pathogenic for Glycogen storage disease, type I. Last evaluated: 2025-04-10. Review status: criteria provided, single submitter. Criteria: Myriad Autosomal Dominant, Autosomal Recessive and X-Linked Classification Criteria (2023). Collection method: clinical testing. Allele origin: unknown.
Comment: NM_001164277.1(SLC37A4):c.678delG(W227Gfs*13) is a frameshift variant classified as pathogenic in the context of glycogen storage disease type Ib. W227Gfs*13 has not been observed in cases with relevant disease. Relevant functional assessments of this variant are not available in the literature. W227Gfs*13 has not been observed in referenced population frequency databases. In summary, NM_001164277.1(SLC37A4):c.678delG(W227Gfs*13) is a frameshift variant in a gene where loss of function is a known mechanism of disease and is predicted to disrupt protein function. Please note: this variant was assessed in the context of healthy population screening.

NM_001164277.2(SLC37A4):c.678del (p.Trp227fs)

Gene: SLC37A4 (solute carrier family 37 member 4; minus strand). Cytogenetic location: 11q23.3.
Variant type: Deletion.
Coding change: c.678del on transcript NM_001164277.2 (MANE Select); coding-DNA position 678, one base deleted (G; older notation c.678delG).
Protein change: p.Trp227fs; shifts the reading frame from tryptophan 227.
Molecular consequence: frameshift variant.
Genome position (GRCh38, 1-based): chr11:119,027,043, C deleted on the plus strand (G on the coding strand, the reverse complement: SLC37A4 is on the minus strand). VCF-style (leftmost placement, unchanged base first): chr11-119027042-AC-A. GRCh37 (hg19) VCF-style: chr11-118897752-AC-A.
Other names: c.678del, p.Trp227fs (NM_001164278.2, NM_001164280.2, NM_001467.6); c.459del, p.Trp154fs (NM_001164279.2); short protein forms W154fs, W227fs.
Identifiers: ClinVar variation 4081800 (VCV004081800.1).
Genomic context (GRCh38, chr11:119,027,042, plus strand): 5'-CCCAGTCAGTACAGCAGGTCTTTACTCCAAACACCACAAGGTAACCAGTGGAGAGCACCC[AC>A]AGGTAAGGGGACAGCAGCAGCTCCTGCAGGGTGCTCTCCTCCTTCAAGGAGCCTGGAGGT-3'